The following is an entry in ClinVar:

ClinVar aggregate classification (germline): Pathogenic/Likely pathogenic. Review status: criteria provided, multiple submitters, no conflicts (2 of 4 stars). 9 submissions from 9 submitters: Pathogenic (7); Likely pathogenic (2). Last evaluated 2026-02-20.

Conditions:
Charcot-Marie-Tooth disease type 4A. Also called: Charcot-Marie-Tooth disease, demyelinating, autosomal recessive, type 4a. Identifiers: Orphanet 99948, MedGen C1859198, MONDO:0008961, OMIM 214400.
Inborn genetic diseases. Identifiers: MedGen C0950123, MeSH D030342.
Charcot-Marie-Tooth disease axonal type 2K (CMT2K). Also called: CHARCOT-MARIE-TOOTH DISEASE, AXONAL, AUTOSOMAL RECESSIVE, TYPE 2K; CHARCOT-MARIE-TOOTH NEUROPATHY, AXONAL, TYPE 2K; Charcot-Marie-Tooth disease type 2K. Identifiers: Orphanet 101097, Orphanet 99944, MedGen C1842983, MONDO:0011916, OMIM 607831.
Charcot-Marie-Tooth disease, axonal, with vocal cord paresis, autosomal recessive. Also called: CHARCOT-MARIE-TOOTH DISEASE, TYPE 4A, AXONAL FORM; CHARCOT-MARIE-TOOTH NEUROPATHY, AXONAL, WITH VOCAL CORD PARESIS, AUTOSOMAL RECESSIVE; CMT2 WITH VOCAL CORD PARESIS, AUTOSOMAL RECESSIVE. Identifiers: Orphanet 101097, MedGen C1843183, MONDO:0011898, OMIM 607706.
Charcot-Marie-Tooth disease recessive intermediate A (CMTRIA). Also called: CHARCOT-MARIE-TOOTH NEUROPATHY, RECESSIVE INTERMEDIATE A. Identifiers: Orphanet 217055, MedGen C1842197, MONDO:0012014, OMIM 608340.

Allele frequency attached by ClinVar (database versions not stated): gnomAD exomes below 0.00001.
gnomAD v4.1: 2 of 1,299,682 alleles (0.00015%); highest among the groups gnomAD compares: Non-Finnish European, 0.00011%; no homozygotes.

Submissions (9):

GeneDx
Classification: Pathogenic. Last evaluated: 2026-02-20. Review status: criteria provided, single submitter. Criteria: GeneDx Variant Classification Process June 2021. Collection method: clinical testing. Allele origin: germline.
Comment: Not observed at significant frequency in large population cohorts (gnomAD); Canonical splice site variant predicted to result in a null allele in a gene for which loss of function is a known mechanism of disease; This variant is associated with the following publications: (PMID: 33136338, 33219631)

Labcorp Genetics (formerly Invitae), Labcorp
Classification: Pathogenic for Charcot-Marie-Tooth disease type 4A. Last evaluated: 2025-09-30. Review status: criteria provided, single submitter. Criteria: Invitae Variant Classification Sherloc (09022015). Collection method: clinical testing. Allele origin: germline.
Comment: This sequence change affects a donor splice site in intron 5 of the GDAP1 gene. While this variant is not anticipated to result in nonsense mediated decay, it likely alters RNA splicing and results in a disrupted protein product. This variant is not present in population databases (gnomAD no frequency). Disruption of this splice site has been observed in individuals with clinical features of autosomal recessive GDAP1-related neuropathy (PMID: 28902413; internal data). ClinVar contains an entry for this variant (Variation ID: 574458). Variants that disrupt the consensus splice site are a relatively common cause of aberrant splicing (PMID: 17576681, 9536098). Algorithms developed to predict the effect of sequence changes on RNA splicing suggest that this variant may disrupt the consensus splice site. This variant disrupts the p.Leu239 amino acid residue in GDAP1. Other variant(s) that disrupt this residue have been determined to be pathogenic (PMID: 14561495, 18504680, 19500985, 20232219). This suggests that this residue is clinically significant, and that variants that disrupt this residue are likely to be disease-causing. For these reasons, this variant has been classified as Pathogenic.

CeGaT Center for Human Genetics Tuebingen
Classification: Pathogenic. Last evaluated: 2024-09-01. Review status: criteria provided, single submitter. Criteria: CeGaT Center For Human Genetics Tuebingen Variant Classification Criteria Version 2. Collection method: clinical testing. Allele origin: germline. Affected: yes. Observed: 1 variant allele.
Comment: GDAP1: PVS1, PM2, PM3, PP1, PS3:Supporting

Fulgent Genetics
Classification: Pathogenic for Charcot-Marie-Tooth disease type 4A; Charcot-Marie-Tooth disease, axonal, with vocal cord paresis, autosomal recessive; Charcot-Marie-Tooth disease axonal type 2K; Charcot-Marie-Tooth disease recessive intermediate A. Last evaluated: 2024-02-22. Review status: criteria provided, single submitter. Criteria: ACMG Guidelines, 2015. Collection method: clinical testing. Allele origin: germline.

Ambry Genetics
Classification: Likely pathogenic for Inborn genetic diseases. Last evaluated: 2023-10-31. Review status: criteria provided, single submitter. Criteria: Ambry Variant Classification Scheme 2023. Collection method: clinical testing. Allele origin: germline.
Comment: The c.694+1G>A intronic variant results from a G to A substitution one nucleotide after coding exon 5 of the GDAP1 gene. Alterations that disrupt the canonical splice site are expected to cause aberrant splicing, resulting in an abnormal protein or a transcript that is subject to nonsense-mediated mRNA decay._x000D_ _x000D_ for autosomal recessive GDAP1-related Charcot-Marie-Tooth diseases; however, its clinical significance for autosomal dominant GDAP1-related Charcot-Marie-Tooth disease type 2 is uncertain. This variant was not reported in population-based cohorts in the Genome Aggregation Database (gnomAD). This alteration was reported homozygous in three members of a family with features consistent with autosomal recessive GDAP1-related Charcot-Marie-Tooth diseases as well as one unaffected family member (Chen, 2020). Additionally, another alteration impacting the same donor site (c.694+1G>C) was reported in a patient with autosomal recessive Charcot-Marie-Tooth disease (Dohrn, 2017). This nucleotide position is highly conserved in available vertebrate species. Minigene splice assay confirmed this alteration causes loss of coding exon 5 (Chen, 2020). In silico splice site analysis predicts that this alteration will weaken the native splice donor site. Based on the available evidence, this alteration is classified as likely pathogenic.

Mendelics
Classification: Pathogenic for Charcot-Marie-Tooth disease type 4A. Last evaluated: 2022-05-04. Review status: criteria provided, single submitter. Criteria: Mendelics Assertion Criteria 2019. Collection method: clinical testing. Allele origin: germline.

Dasa
Classification: Pathogenic for Charcot-Marie-Tooth disease type 4A. Last evaluated: 2022-02-05. Review status: criteria provided, single submitter. Criteria: ACMG Guidelines, 2015. Collection method: clinical testing. Allele origin: germline. Affected: yes. Observed: 1 variant allele.
Comment: The c.694+1G>A variant is located in a canonical splice-site, and it is not predicted the protein reading frame alteration, however, occur in a critical region and the variant disrupts ˃10% of the protein - PVS1_strong. Well-established in vitro or in vivo functional studies support a damaging effect on the gene or gene product (PMID: 33136338) - PS3_supportingThis sequence change has been observed in affected individual(s) and ClinVar contains an entry for this variant (PMID: 33136338) - PS4_supporting. This variant is not present in population databases (rs1183978180; gnomAD; ABraOM no frequency) - PM2. The c.694+1G>A was detected in trans with a pathogenic variant (PMID: 33136338) - PM3. The variant co-segregated with disease in multiple affected family members (PMID: 33136338) - PP1. In summary, the currently available evidence indicates that the variant is pathogenic.

Mayo Clinic Laboratories, Mayo Clinic
Classification: Pathogenic. Last evaluated: 2021-04-20. Review status: criteria provided, single submitter. Criteria: ACMG Guidelines, 2015. Collection method: clinical testing. Allele origin: germline.
Comment: PVS1_strong, PS3, PM2, PP1, PM3_supporting

Revvity Omics, Revvity
Classification: Likely pathogenic. Last evaluated: 2019-01-31. Review status: criteria provided, single submitter. Criteria: ACMG Guidelines, 2015. Collection method: clinical testing. Allele origin: germline.

Literature cited by the submitters: PubMed 28902413 (cited by Labcorp Genetics (formerly Invitae), Labcorp and Ambry Genetics); PubMed 17576681 (cited by Labcorp Genetics (formerly Invitae), Labcorp); PubMed 9536098 (cited by Labcorp Genetics (formerly Invitae), Labcorp); PubMed 14561495 (cited by Labcorp Genetics (formerly Invitae), Labcorp); PubMed 18504680 (cited by Labcorp Genetics (formerly Invitae), Labcorp); PubMed 19500985 (cited by Labcorp Genetics (formerly Invitae), Labcorp); PubMed 20232219 (cited by Labcorp Genetics (formerly Invitae), Labcorp); PubMed 33136338 (cited by 3 submitters); PubMed 33219631 (cited by Mayo Clinic Laboratories, Mayo Clinic).

NM_018972.4(GDAP1):c.694+1G>A

Gene: GDAP1 (ganglioside induced differentiation associated protein 1; plus strand). Cytogenetic location: 8q21.11.
Variant type: single nucleotide variant.
Coding change: c.694+1G>A on transcript NM_018972.4 (MANE Select); the canonical splice donor site of the intron after coding-DNA position 694, G replaced by A.
Molecular consequence: splice donor variant.
Genome position (GRCh38, 1-based): chr8:74,363,054, G>A. VCF-style: chr8-74363054-G-A. GRCh37 (hg19) VCF-style: chr8-75275289-G-A.
Other names: c.694+1G>A (NM_001362931.2); c.520+1G>A (NM_001362930.2); c.367+1G>A (NM_001362929.2, NM_001362932.2); c.490+1G>A (NM_001040875.4).
Identifiers: ClinVar variation 574458 (VCV000574458.35), dbSNP rs1183978180, ClinGen allele CA371549708.